The following is an entry in ClinVar:

ClinVar aggregate classification (germline): Uncertain significance (1 of 4 stars; one submission).

Conditions:
KDM5A-related disorder. Also called: KDM5A-related condition.

Submission:

PreventionGenetics, part of Exact Sciences
Classification: Uncertain significance for KDM5A-related condition. Last evaluated: 2022-09-01. Review status: criteria provided, single submitter. Criteria: ACMG Guidelines, 2015. Collection method: clinical testing. Allele origin: germline.
Comment: The KDM5A c.4463G>T variant is predicted to result in the amino acid substitution p.Ser1488Ile. To our knowledge, this variant has not been reported in the literature or in a large population database, indicating this variant is rare. At this time, the clinical significance of this variant is uncertain due to the absence of conclusive functional and genetic evidence.

NM_001042603.3(KDM5A):c.4463G>T (p.Ser1488Ile)

Gene: KDM5A (lysine demethylase 5A; minus strand). Cytogenetic location: 12p13.33.
Variant type: single nucleotide variant.
Coding change: c.4463G>T on transcript NM_001042603.3 (MANE Select); coding-DNA position 4463, G replaced by T.
Protein change: p.Ser1488Ile; replaces serine 1488 with isoleucine.
Molecular consequence: missense variant.
Genome position (GRCh38, 1-based): chr12:293,162, C>A on the plus strand (G>T on the coding strand, the complement: KDM5A is on the minus strand). VCF-style: chr12-293162-C-A. GRCh37 (hg19) VCF-style: chr12-402328-C-A.
Other names: short protein forms S1488I.
Identifiers: ClinVar variation 2636550 (VCV002636550.1), dbSNP rs371512709, ClinGen allele CA383625266.